The following is an entry in ClinVar:

NM_006231.4(POLE):c.6107del (p.Glu2036fs)

Gene: POLE (DNA polymerase epsilon, catalytic subunit; minus strand). Cytogenetic location: 12q24.33.
Variant type: Deletion.
Coding change: c.6107del on transcript NM_006231.4 (MANE Select); coding-DNA position 6107, one base deleted (A; older notation c.6107delA).
Protein change: p.Glu2036fs; shifts the reading frame from glutamic acid 2036.
Molecular consequence: frameshift variant.
Genome position (GRCh38, 1-based): chr12:132,632,693, T deleted on the plus strand (A on the coding strand, the reverse complement: POLE is on the minus strand). VCF-style (leftmost placement, unchanged base first): chr12-132632692-CT-C. GRCh37 (hg19) VCF-style: chr12-133209278-CT-C.
Other names: short protein forms E2036fs.
Identifiers: ClinVar variation 3725912 (VCV003725912.2).

ClinVar aggregate classification (germline): Pathogenic (1 of 4 stars; one submission).

Submission:

Labcorp Genetics (formerly Invitae), Labcorp
Classification: Pathogenic. Last evaluated: 2024-11-25. Review status: criteria provided, single submitter. Criteria: Invitae Variant Classification Sherloc (09022015). Collection method: clinical testing. Allele origin: germline.
Comment: This sequence change creates a premature translational stop signal (p.Glu2036Glyfs*12) in the POLE gene. It is expected to result in an absent or disrupted protein product. Loss-of-function variants in POLE are known to be pathogenic (PMID: 23230001, 25948378, 30503519). This variant is not present in population databases (gnomAD no frequency). This variant has not been reported in the literature in individuals affected with POLE-related conditions. For these reasons, this variant has been classified as Pathogenic.

Literature cited by the submitters: PubMed 23230001; PubMed 25948378; PubMed 30503519.